The following is an entry in ClinVar:

ClinVar aggregate classification (germline): drug response. Review status: reviewed by expert panel (3 of 4 stars). 7 submissions from 6 submitters: drug response (2). 5 of the submissions do not count toward it. Last evaluated 2021-03-24.

Conditions:
capecitabine response - Toxicity.
fluorouracil response - Toxicity.
Dihydropyrimidine dehydrogenase deficiency (DPYDD). Also called: DPD DEFICIENCY; DPYD DEFICIENCY; Hereditary Thymine-Uraciluria. Identifiers: Orphanet 1675, MedGen C1959620, MONDO:0010130, OMIM 274270.

Allele frequency attached by ClinVar (database versions not stated): ESP Exome Variant Server 0.03675; gnomAD 0.04278 and 0.04333; TOPMed 0.04461; ExAC 0.04685; gnomAD exomes 0.04687 and 0.05100; 1000 Genomes Project 30x 0.05169; 1000 Genomes Project 0.05212.
gnomAD v4.1: 75,167 of 1,613,826 alleles (4.7%); highest among the groups gnomAD compares: East Asian, 13%; 2,196 homozygotes.

Submissions (7):

ClinPGx
Classification: drug response for capecitabine response - Toxicity. Last evaluated: 2021-03-24. Review status: reviewed by expert panel. Criteria: Pharmacogenomics knowledge for personalized medicine. Collection method: curation. Allele origin: germline. Affected: yes.
Comment: PharmGKB Level of Evidence 1A: Level 1A clinical annotations describe variant-drug combinations that have variant-specific prescribing guidance available in a current clinical guideline annotation or an FDA-approved drug label annotation. Annotations of drug labels or clinical guidelines must give prescribing guidance for specific variants (e.g. CYP2C9*3, HLA-B*57:01) or provide mapping from defined allele functions to diplotypes and phenotypes to be used as supporting evidence for a level 1A clinical annotation. Level 1A clinical annotations must also be supported by at least one publication in addition to a clinical guideline or drug label with variant-specific prescribing guidance.

Drug is not necessarily used to treat response condition

ClinPGx
Classification: drug response for fluorouracil response - Toxicity. Last evaluated: 2021-03-24. Review status: reviewed by expert panel. Criteria: Pharmacogenomics knowledge for personalized medicine. Collection method: curation. Allele origin: germline. Affected: yes.
Comment: the same text as in the submission from ClinPGx above.

Blueprint Genetics
Classification: Likely benign. Last evaluated: 2024-11-26. Review status: criteria provided, single submitter. Criteria: ACMG Guidelines, 2015. Collection method: clinical testing. Allele origin: germline. Not counted in ClinVar's aggregate classification.

Mayo Clinic Laboratories, Mayo Clinic
Classification: Benign. Last evaluated: 2021-04-07. Review status: criteria provided, single submitter. Criteria: ACMG Guidelines, 2015. Collection method: clinical testing. Allele origin: germline. Observed: 1 variant allele. Not counted in ClinVar's aggregate classification.

Illumina Laboratory Services, Illumina
Classification: Benign for Dihydropyrimidine dehydrogenase deficiency. Last evaluated: 2018-03-06. Review status: criteria provided, single submitter. Criteria: ICSL Variant Classification Criteria 13 December 2019. Collection method: clinical testing. Allele origin: germline. Not counted in ClinVar's aggregate classification.
Comment: This variant was observed in the ICSL laboratory as part of a predisposition screen in an ostensibly healthy population. It had not been previously curated by ICSL or reported in the Human Gene Mutation Database (HGMD: prior to June 1st, 2018), and was therefore a candidate for classification through an automated scoring system. Utilizing variant allele frequency, disease prevalence and penetrance estimates, and inheritance mode, an automated score was calculated to assess if this variant is too frequent to cause the disease. Based on the score and internal cut-off values, a variant classified as benign is not then subjected to further curation. The score for this variant resulted in a classification of benign for this disease.

PreventionGenetics, part of Exact Sciences
Classification: Benign. Review status: criteria provided, single submitter. Criteria: ACMG Guidelines, 2015. Collection method: clinical testing. Allele origin: germline. Not counted in ClinVar's aggregate classification.

Diasio Lab,  Mayo Clinic
No classification provided. Review status: no classification provided. Collection method: not provided. Allele origin: unknown. Not counted in ClinVar's aggregate classification.

Literature cited by the submitters: PubMed 19530960 (cited by ClinPGx); PubMed 20819423 (cited by ClinPGx); PubMed 21498394 (cited by ClinPGx); PubMed 24923815 (cited by ClinPGx); PubMed 25677447 (cited by ClinPGx); PubMed 25782327 (cited by ClinPGx); PubMed 26099996 (cited by ClinPGx); PubMed 28481884 (cited by ClinPGx); PubMed 29065426 (cited by ClinPGx); PubMed 14635116 (cited by ClinPGx); PubMed 18299612 (cited by ClinPGx); PubMed 19473056 (cited by ClinPGx); PubMed 23588312 (cited by ClinPGx); PubMed 23942539 (cited by ClinPGx); PubMed 26794347 (cited by ClinPGx).

NM_000110.4(DPYD):c.1896T>C (p.Phe632=)

Gene: DPYD (dihydropyrimidine dehydrogenase; minus strand). Cytogenetic location: 1p21.3.
Variant type: single nucleotide variant.
Coding change: c.1896T>C on transcript NM_000110.4 (MANE Select); coding-DNA position 1896, T replaced by C.
Protein change: p.Phe632=; no amino-acid change (phenylalanine 632 retained).
Molecular consequence: synonymous variant.
Genome position (GRCh38, 1-based): chr1:97,450,068, A>G on the plus strand (T>C on the coding strand, the complement: DPYD is on the minus strand). VCF-style: chr1-97450068-A-G. GRCh37 (hg19) VCF-style: chr1-97915624-A-G.
Other names: p.Phe632=.
Identifiers: ClinVar variation 100088 (VCV000100088.9), dbSNP rs17376848, ClinGen allele CA228112.